The following is an entry in ClinVar:

NM_004525.3(LRP2):c.8395A>G (p.Ile2799Val)

Gene: LRP2 (LDL receptor related protein 2; minus strand). Cytogenetic location: 2q31.1.
Variant type: single nucleotide variant.
Coding change: c.8395A>G on transcript NM_004525.3 (MANE Select); coding-DNA position 8395, A replaced by G.
Protein change: p.Ile2799Val; replaces isoleucine 2799 with valine.
Molecular consequence: missense variant.
Genome position (GRCh38, 1-based): chr2:169,201,685, T>C on the plus strand (A>G on the coding strand, the complement: LRP2 is on the minus strand). VCF-style: chr2-169201685-T-C. GRCh37 (hg19) VCF-style: chr2-170058195-T-C.
Other names: short protein forms I2799V.
Identifiers: ClinVar variation 2048820 (VCV002048820.4), dbSNP rs2545794788, ClinGen allele CA349165295.

ClinVar aggregate classification (germline): Uncertain significance (1 of 4 stars; one submission).

gnomAD v4.1: 1 of 1,614,206 alleles (0.000062%); highest among the groups gnomAD compares: Non-Finnish European, 0.000085%; no homozygotes.

Submission:

Labcorp Genetics (formerly Invitae), Labcorp
Classification: Uncertain significance. Last evaluated: 2022-01-03. Review status: criteria provided, single submitter. Criteria: Invitae Variant Classification Sherloc (09022015). Collection method: clinical testing. Allele origin: germline.
Comment: In summary, the available evidence is currently insufficient to determine the role of this variant in disease. Therefore, it has been classified as a Variant of Uncertain Significance. Advanced modeling of protein sequence and biophysical properties (such as structural, functional, and spatial information, amino acid conservation, physicochemical variation, residue mobility, and thermodynamic stability) performed at Invitae indicates that this missense variant is not expected to disrupt LRP2 protein function. This variant has not been reported in the literature in individuals affected with LRP2-related conditions. This variant is not present in population databases (gnomAD no frequency). This sequence change replaces isoleucine, which is neutral and non-polar, with valine, which is neutral and non-polar, at codon 2799 of the LRP2 protein (p.Ile2799Val).